The following is an entry in ClinVar:

ClinVar aggregate classification (germline): Uncertain significance (1 of 4 stars; one submission).

Allele frequency attached by ClinVar (database versions not stated): gnomAD exomes below 0.00001.
gnomAD v4.1: 4 of 1,614,002 alleles (0.00025%); highest among the groups gnomAD compares: Non-Finnish European, 0.00034%; no homozygotes.

Submission:

GeneDx
Classification: Uncertain significance. Last evaluated: 2017-10-31. Review status: criteria provided, single submitter. Criteria: GeneDx Variant Classification (06012015). Collection method: clinical testing. Allele origin: germline. Affected: yes.
Comment: The I3420T variant has not been published as a pathogenic variant, nor has it been reported as a benign variant to our knowledge. The I3420T variant is not observed in large population cohorts (Lek et al., 2016). This variant is a non-conservative amino acid substitution, which is likely to impact secondary protein structure as these residues differ in polarity, charge, size and/or other properties. This substitution occurs at a position that is conserved across species, and in silico analysis predicts this variant is probably damaging to the protein structure/function. However, missense variants in nearby residues have not been reported in the Human Gene Mutation Database in association with Kabuki syndrome (Stenson et al., 2014).

NM_003482.4(KMT2D):c.10259T>C (p.Ile3420Thr)

Gene: KMT2D (lysine methyltransferase 2D; minus strand). Cytogenetic location: 12q13.12.
Variant type: single nucleotide variant.
Coding change: c.10259T>C on transcript NM_003482.4 (MANE Select); coding-DNA position 10259, T replaced by C.
Protein change: p.Ile3420Thr; replaces isoleucine 3420 with threonine.
Molecular consequence: missense variant.
Genome position (GRCh38, 1-based): chr12:49,034,908, A>G on the plus strand (T>C on the coding strand, the complement: KMT2D is on the minus strand). VCF-style: chr12-49034908-A-G. GRCh37 (hg19) VCF-style: chr12-49428691-A-G.
Other names: short protein forms I3420T.
Identifiers: ClinVar variation 453126 (VCV000453126.2), dbSNP rs1555189538, ClinGen allele CA384729934.